The following is an entry in ClinVar:

ClinVar aggregate classification (germline): Uncertain significance (1 of 4 stars; one submission).

Submission:

Labcorp Genetics (formerly Invitae), Labcorp
Classification: Uncertain significance. Last evaluated: 2020-03-20. Review status: criteria provided, single submitter. Criteria: Invitae Variant Classification Sherloc (09022015). Collection method: clinical testing. Allele origin: germline.
Comment: In summary, the available evidence is currently insufficient to determine the role of this variant in disease. Therefore, it has been classified as a Variant of Uncertain Significance. Algorithms developed to predict the effect of missense changes on protein structure and function are either unavailable or do not agree on the potential impact of this missense change (SIFT: "Deleterious"; PolyPhen-2: "Benign"; Align-GVGD: "Class C65"). This variant has not been reported in the literature in individuals with KLHL7-related conditions. This variant is not present in population databases (ExAC no frequency). This sequence change replaces asparagine with isoleucine at codon 113 of the KLHL7 protein (p.Asn113Ile). The asparagine residue is highly conserved and there is a large physicochemical difference between asparagine and isoleucine.

NM_001031710.3(KLHL7):c.338A>T (p.Asn113Ile)

Gene: KLHL7 (kelch like family member 7; plus strand). Cytogenetic location: 7p15.3.
Variant type: single nucleotide variant.
Coding change: c.338A>T on transcript NM_001031710.3 (MANE Select); coding-DNA position 338, A replaced by T.
Protein change: p.Asn113Ile; replaces asparagine 113 with isoleucine.
Molecular consequence: missense variant. On other transcripts: non-coding transcript variant (2).
Genome position (GRCh38, 1-based): chr7:23,125,068, A>T. VCF-style: chr7-23125068-A-T. GRCh37 (hg19) VCF-style: chr7-23164687-A-T.
Other names: c.338A>T, p.Asn113Ile (NM_001172428.2); c.194A>T, p.Asn65Ile (NM_018846.5); short protein forms N113I, N65I.
Identifiers: ClinVar variation 1058646 (VCV001058646.9), dbSNP rs2128460447, ClinGen allele CA366975542.
Genomic context (GRCh38, chr7:23,125,068, plus strand): 5'-AAATCATGGGTAACTAATATTCCCTCTAACTTATTTGCAGAATTTCCGTGAATAGCAACA[A>T]TGTTCAGTCTTTGCTGGATGCAGCAAACCAATATCAGATTGAACCTGTGAAGAAAATGTG-3'
Protein context (NP_001026880.2, residues 103-123): YTARISVNSN[Asn113Ile]VQSLLDAANQ